The following is an entry in ClinVar:

NM_001009944.3(PKD1):c.6457dup (p.Val2153fs)

Gene: PKD1 (polycystin 1, transient receptor potential channel interacting; minus strand). Cytogenetic location: 16p13.3.
Variant type: Duplication.
Coding change: c.6457dup on transcript NM_001009944.3 (MANE Select); coding-DNA position 6457, one base duplicated (G; older notation c.6457dupG).
Protein change: p.Val2153fs; shifts the reading frame from valine 2153.
Molecular consequence: frameshift variant.
Genome position (GRCh38, 1-based): chr16:2,108,710, C duplicated on the plus strand (G on the coding strand, the reverse complement: PKD1 is on the minus strand). VCF-style (leftmost placement, unchanged base first): chr16-2108709-A-AC. GRCh37 (hg19) VCF-style: chr16-2158710-A-AC.
Other names: c.6457dup, p.Val2153fs (NM_000296.4); c.6457dupG (NM_001009944.3); short protein forms V2153fs.
Identifiers: ClinVar variation 3896519 (VCV003896519.2).

ClinVar aggregate classification (germline): Pathogenic (1 of 4 stars; one submission).

Conditions:
Polycystic kidney disease, adult type (PKD1). Also called: POLYCYSTIC KIDNEY DISEASE 1 WITH OR WITHOUT POLYCYSTIC LIVER DISEASE; POLYCYSTIC KIDNEY DISEASE, ADULT, TYPE I; Polycystic Kidney Disease 1, Autosomal Dominant; Polycystic kidney disease 1; Polycystic kidney disease 1, severe; Polycystic Kidney, Autosomal Dominant. Identifiers: MedGen C3149841, MONDO:0008263, OMIM 173900.

Submission:

Women's Health and Genetics/Laboratory Corporation of America, LabCorp
Classification: Pathogenic for Polycystic kidney disease, adult type. Last evaluated: 2025-04-03. Review status: criteria provided, single submitter. Criteria: LabCorp Variant Classification Summary - May 2015. Collection method: clinical testing. Allele origin: germline.
Comment: Variant summary: PKD1 c.6457dupG (p.Val2153GlyfsX22) results in a premature termination codon, predicted to cause a truncation of the encoded protein or absence of the protein due to nonsense mediated decay, which are commonly known mechanisms for disease. The frequency data for this variant in gnomAD is considered unreliable, as metrics indicate poor data quality at this position. c.6457dupG has been reported in the literature in the heterozygous state in at least one individual affected with autosomal dominant Polycystic Kidney Disease 1 (Rossetti_2007). The following publication has been ascertained in the context of this evaluation (PMID: 17582161). No submitters have cited clinical-significance assessments for this variant to ClinVar. Based on the evidence outlined above, the variant was classified as pathogenic for autosomal dominant and autosomal recessive Polycystic Kidney Disease.

Literature cited by the submitters: PubMed 17582161.